The following is an entry in ClinVar:

NM_015021.3(ZNF292):c.2150T>C (p.Met717Thr)

Gene: ZNF292 (zinc finger protein 292; plus strand). Cytogenetic location: 6q14.3.
Variant type: single nucleotide variant.
Coding change: c.2150T>C on transcript NM_015021.3 (MANE Select); coding-DNA position 2150, T replaced by C.
Protein change: p.Met717Thr; replaces methionine 717 with threonine.
Molecular consequence: missense variant.
Genome position (GRCh38, 1-based): chr6:87,255,779, T>C. VCF-style: chr6-87255779-T-C. GRCh37 (hg19) VCF-style: chr6-87965497-T-C.
Other names: c.1730T>C, p.Met577Thr (NM_001351444.2); short protein forms M577T, M717T.
Identifiers: ClinVar variation 3600924 (VCV003600924.2).

ClinVar aggregate classification (germline): Uncertain significance (1 of 4 stars; one submission).

gnomAD v4.1: 16 of 1,613,860 alleles (0.00099%); highest among the groups gnomAD compares: Non-Finnish European, 0.0013%; no homozygotes.

Submission:

GeneDx
Classification: Uncertain significance. Last evaluated: 2026-07-22. Review status: criteria provided, single submitter. Criteria: GeneDx Variant Classification Process June 2021. Collection method: clinical testing. Allele origin: germline.
Comment: Not observed at significant frequency in large population cohorts (gnomAD); In silico analysis supports that this missense variant has a deleterious effect on protein structure/function; Has not been previously published as pathogenic or benign to our knowledge